The following is an entry in ClinVar:

ClinVar aggregate classification (germline): Uncertain significance (1 of 4 stars; one submission).

Submission:

Labcorp Genetics (formerly Invitae), Labcorp
Classification: Uncertain significance. Last evaluated: 2023-06-24. Review status: criteria provided, single submitter. Criteria: Invitae Variant Classification Sherloc (09022015). Collection method: clinical testing. Allele origin: germline.
Comment: This variant has not been reported in the literature in individuals affected with SRCAP-related conditions. In summary, the available evidence is currently insufficient to determine the role of this variant in disease. Therefore, it has been classified as a Variant of Uncertain Significance. Advanced modeling of protein sequence and biophysical properties (such as structural, functional, and spatial information, amino acid conservation, physicochemical variation, residue mobility, and thermodynamic stability) has been performed at Invitae for this missense variant, however the output from this modeling did not meet the statistical confidence thresholds required to predict the impact of this variant on SRCAP protein function. This variant is not present in population databases (gnomAD no frequency). This sequence change replaces glycine, which is neutral and non-polar, with aspartic acid, which is acidic and polar, at codon 311 of the SRCAP protein (p.Gly311Asp).

NM_006662.3(SRCAP):c.932G>A (p.Gly311Asp)

Gene: SRCAP (Snf2 related CREBBP activator protein; plus strand). Cytogenetic location: 16p11.2.
Variant type: single nucleotide variant.
Coding change: c.932G>A on transcript NM_006662.3 (MANE Select); coding-DNA position 932, G replaced by A.
Protein change: p.Gly311Asp; replaces glycine 311 with aspartic acid.
Molecular consequence: missense variant.
Genome position (GRCh38, 1-based): chr16:30,709,926, G>A. VCF-style: chr16-30709926-G-A. GRCh37 (hg19) VCF-style: chr16-30721247-G-A.
Other names: short protein forms G311D.
Identifiers: ClinVar variation 2727247 (VCV002727247.3), dbSNP rs2506620250, ClinGen allele CA395602447.